The following is an entry in ClinVar:

NM_001080449.3(DNA2):c.491A>G (p.Glu164Gly)

Gene: DNA2 (DNA replication helicase/nuclease 2; minus strand). Cytogenetic location: 10q21.3.
Variant type: single nucleotide variant.
Coding change: c.491A>G on transcript NM_001080449.3 (MANE Select); coding-DNA position 491, A replaced by G.
Protein change: p.Glu164Gly; replaces glutamic acid 164 with glycine.
Molecular consequence: missense variant. On other transcripts: non-coding transcript variant (1).
Genome position (GRCh38, 1-based): chr10:68,465,763, T>C on the plus strand (A>G on the coding strand, the complement: DNA2 is on the minus strand). VCF-style: chr10-68465763-T-C. GRCh37 (hg19) VCF-style: chr10-70225520-T-C.
Other names: p.Glu164Gly; short protein forms E164G.
Identifiers: ClinVar variation 387145 (VCV000387145.15), dbSNP rs114788132, ClinGen allele CA5525280.

ClinVar aggregate classification (germline): Benign. Review status: criteria provided, multiple submitters, no conflicts (2 of 4 stars). 5 submissions from 5 submitters: Benign (4). 1 of the submissions does not count toward it. Last evaluated 2026-02-02.

Conditions:
DNA2-related disorder. Also called: DNA2-related condition.

Allele frequency attached by ClinVar (database versions not stated): gnomAD exomes 0.00049 and 0.00118; ExAC 0.00167; gnomAD 0.00549 and 0.00581; 1000 Genomes Project 0.00639; TOPMed 0.00646; ESP Exome Variant Server 0.00734; 1000 Genomes Project 30x 0.00750.
gnomAD v4.1: 1,576 of 1,607,388 alleles (0.098%); highest among the groups gnomAD compares: African/African-American, 1.9%; 16 homozygotes.

Submissions (5):

Labcorp Genetics (formerly Invitae), Labcorp
Classification: Benign. Last evaluated: 2026-02-02. Review status: criteria provided, single submitter. Criteria: Invitae Variant Classification Sherloc (09022015). Collection method: clinical testing. Allele origin: germline.

Mayo Clinic Laboratories, Mayo Clinic
Classification: Benign. Last evaluated: 2023-01-12. Review status: criteria provided, single submitter. Criteria: ACMG Guidelines, 2015. Collection method: clinical testing. Allele origin: germline. Observed: 8 variant alleles.
Comment: BS1, BS2, PP3

GeneDx
Classification: Benign. Last evaluated: 2016-08-10. Review status: criteria provided, single submitter. Criteria: GeneDx Variant Classification (06012015). Collection method: clinical testing. Allele origin: germline. Affected: yes.
Comment: This variant is considered likely benign or benign based on one or more of the following criteria: it is a conservative change, it occurs at a poorly conserved position in the protein, it is predicted to be benign by multiple in silico algorithms, and/or has population frequency not consistent with disease.

Breakthrough Genomics
Classification: Benign. Review status: criteria provided, single submitter. Criteria: ACMG Guidelines, 2015. Collection method: not provided. Allele origin: germline. Inheritance: Autosomal recessive inheritance. Affected: yes.

PreventionGenetics, part of Exact Sciences
Classification: Benign for DNA2-related condition. Last evaluated: 2019-09-20. Review status: no assertion criteria provided. Collection method: clinical testing. Allele origin: germline. Not counted in ClinVar's aggregate classification.
Comment: This variant is classified as benign based on ACMG/AMP sequence variant interpretation guidelines (Richards et al. 2015 PMID: 25741868, with internal and published modifications).